The following is an entry in ClinVar:

NM_003000.3(SDHB):c.438C>A (p.Phe146Leu)

Gene: SDHB (succinate dehydrogenase complex iron sulfur subunit B; minus strand). Cytogenetic location: 1p36.13.
Variant type: single nucleotide variant.
Coding change: c.438C>A on transcript NM_003000.3 (MANE Select); coding-DNA position 438, C replaced by A.
Protein change: p.Phe146Leu; replaces phenylalanine 146 with leucine.
Molecular consequence: missense variant.
Genome position (GRCh38, 1-based): chr1:17,027,851, G>T on the plus strand (C>A on the coding strand, the complement: SDHB is on the minus strand). VCF-style: chr1-17027851-G-T. GRCh37 (hg19) VCF-style: chr1-17354346-G-T.
Other names: short protein forms F146L.
Identifiers: ClinVar variation 824853 (VCV000824853.10), dbSNP rs1570948017, ClinGen allele CA338273390.
Genomic context (GRCh38, chr1:17,027,851, plus strand): 5'-GCCTTCCTGAGATTCATCCTTCTTCTTCAAATAAGGCTCAATGGATTTGTACTGTGCATA[G>T]AAGTTGCTCAAATCCTGTGGTTAAGAGGAAGAAGAAGAAGAAGAAGAAGAAAAGGATCAG-3'
Protein context (NP_002991.2, residues 136-156): IKDLVPDLSN[Phe146Leu]YAQYKSIEPY

ClinVar aggregate classification (germline): Uncertain significance. Review status: criteria provided, multiple submitters, no conflicts (2 of 4 stars). 2 submissions from 2 submitters: Uncertain significance (2). Last evaluated 2023-10-10.

Conditions:
Hereditary cancer-predisposing syndrome. Also called: Neoplastic Syndromes, Hereditary; Tumor predisposition; Hereditary Cancer Syndrome; Hereditary neoplastic syndrome. Identifiers: Orphanet 140162, MedGen C0027672, MeSH D009386, MONDO:0015356.
Pheochromocytoma/paraganglioma syndrome 4. Also called: CAROTID BODY TUMORS AND MULTIPLE EXTRAADRENAL PHEOCHROMOCYTOMAS; SDHB-Related Hereditary Paraganglioma-Pheochromocytoma Syndrome (Paragangliomas 4); SDHB-Related Hereditary Paraganglioma-Pheochromocytoma Syndrome; PARAGANGLIOMA, FAMILIAL MALIGNANT; PARAGANGLIOMAS, HEREDITARY EXTRAADRENAL; PHEOCHROMOCYTOMA, FAMILIAL EXTRAADRENAL. Identifiers: Orphanet 29072, MedGen C1861848, MONDO:0007273, OMIM 115310.
Gastrointestinal stromal tumor. Also called: Gastrointestinal stromal tumor, somatic; Gastrointestinal stroma tumor. Identifiers: Orphanet 44890, MedGen C0238198, MeSH D046152, MONDO:0011719, OMIM 606764, HP:0100723.
Pheochromocytoma. Also called: MAX-Related Hereditary Paraganglioma-Pheochromocytoma Syndrome. Identifiers: Orphanet 29072, MedGen C0031511, MONDO:0008233, OMIM 171300, HP:0002666.

Submissions (2):

Labcorp Genetics (formerly Invitae), Labcorp
Classification: Uncertain significance for Gastrointestinal stromal tumor; Pheochromocytoma/paraganglioma syndrome 4; Pheochromocytoma. Last evaluated: 2023-10-10. Review status: criteria provided, single submitter. Criteria: Invitae Variant Classification Sherloc (09022015). Collection method: clinical testing. Allele origin: germline.
Comment: This sequence change replaces phenylalanine, which is neutral and non-polar, with leucine, which is neutral and non-polar, at codon 146 of the SDHB protein (p.Phe146Leu). This variant is not present in population databases (gnomAD no frequency). This variant has not been reported in the literature in individuals affected with SDHB-related conditions. ClinVar contains an entry for this variant (Variation ID: 824853). Advanced modeling of protein sequence and biophysical properties (such as structural, functional, and spatial information, amino acid conservation, physicochemical variation, residue mobility, and thermodynamic stability) performed at Invitae indicates that this missense variant is not expected to disrupt SDHB protein function. Experimental studies have shown that this missense change affects SDHB function (PMID: 26749241). In summary, the available evidence is currently insufficient to determine the role of this variant in disease. Therefore, it has been classified as a Variant of Uncertain Significance.

Ambry Genetics
Classification: Uncertain significance for Hereditary cancer-predisposing syndrome. Last evaluated: 2018-11-26. Review status: criteria provided, single submitter. Criteria: Ambry Variant Classification Scheme 2023. Collection method: clinical testing. Allele origin: germline.
Comment: The p.F146L variant (also known as c.438C>A), located in coding exon 5 of the SDHB gene, results from a C to A substitution at nucleotide position 438. The phenylalanine at codon 146 is replaced by leucine, an amino acid with highly similar properties. The p.F146L variant has been shown to reduce binding capabilities between SDHB and SDHFA1 in vivo which may impact the assembly of the SDH complex (Maio N et al. Cell Metab. 2016 Feb;23:292-302). This amino acid position is highly conserved in available vertebrate species. In addition, this alteration is predicted to be deleterious by in silico analysis. Since supporting evidence is limited at this time, the clinical significance of this alteration remains unclear.

Literature cited by the submitters: PubMed 26749241 (cited by Labcorp Genetics (formerly Invitae), Labcorp and Ambry Genetics); PubMed 26273102 (cited by Ambry Genetics).